The following is an entry in ClinVar:

NM_022786.3(ARV1):c.99dup (p.Cys34fs)

Genes: ARV1 (ARV1 homolog, fatty acid homeostasis modulator; plus strand), LOC129932761 (ATAC-STARR-seq lymphoblastoid active region 2721; plus strand). Cytogenetic location: 1q42.2.
Variant type: Duplication.
Coding change: c.99dup on transcript NM_022786.3 (MANE Select); coding-DNA position 99, one base duplicated (G; older notation c.99dupG).
Protein change: p.Cys34fs; shifts the reading frame from cysteine 34.
Molecular consequence: frameshift variant. On other transcripts: non-coding transcript variant (1).
Genome position (GRCh38, 1-based): chr1:230,979,204, G duplicated; the last of 2 consecutive G bases (chr1:230,979,203-230,979,204); duplicating either gives the same sequence. VCF-style (leftmost placement, unchanged base first): chr1-230979202-A-AG. GRCh37 (hg19) VCF-style: chr1-231114948-A-AG.
Other names: c.99dup, p.Cys34fs (NM_001346992.2); short protein forms C34fs.
Identifiers: ClinVar variation 3775294 (VCV003775294.1).

ClinVar aggregate classification (germline): Pathogenic (1 of 4 stars; one submission).

Conditions:
Developmental and epileptic encephalopathy, 38 (DEE38). Also called: Epileptic encephalopathy, early infantile, 38. Identifiers: MedGen C4310762, MONDO:0014868, OMIM 617020.

Submission:

3billion
Classification: Pathogenic for Developmental and epileptic encephalopathy, 38. Last evaluated: 2023-08-08. Review status: criteria provided, single submitter. Criteria: ACMG Guidelines, 2015. Collection method: clinical testing. Allele origin: germline. Affected: yes.
Comment: The variant is not observed in the gnomAD v2.1.1 dataset. Predicted Consequence/Location: Frameshift: predicted to result in a loss or disruption of normal protein function through nonsense-mediated decay (NMD) or protein truncation. Multiple pathogenic variants are reported downstream of the variant. Therefore, this variant is classified as Pathogenic according to the recommendation of ACMG/AMP guideline.